The following is an entry in ClinVar:

NM_014633.5(CTR9):c.802A>G (p.Asn268Asp)

Gene: CTR9 (CTR9 component of Paf1/RNA polymerase II complex; plus strand). Cytogenetic location: 11p15.4.
Variant type: single nucleotide variant.
Coding change: c.802A>G on transcript NM_014633.5 (MANE Select); coding-DNA position 802, A replaced by G.
Protein change: p.Asn268Asp; replaces asparagine 268 with aspartic acid.
Molecular consequence: missense variant.
Genome position (GRCh38, 1-based): chr11:10,762,007, A>G. VCF-style: chr11-10762007-A-G. GRCh37 (hg19) VCF-style: chr11-10783554-A-G.
Other names: c.802A>G, p.Asn268Asp (NM_001346279.2); short protein forms N268D.
Identifiers: ClinVar variation 2747804 (VCV002747804.3), dbSNP rs2539377698, ClinGen allele CA379663179.

ClinVar aggregate classification (germline): Uncertain significance (1 of 4 stars; one submission).

Submission:

Labcorp Genetics (formerly Invitae), Labcorp
Classification: Uncertain significance. Last evaluated: 2023-07-28. Review status: criteria provided, single submitter. Criteria: Invitae Variant Classification Sherloc (09022015). Collection method: clinical testing. Allele origin: germline.
Comment: In summary, the available evidence is currently insufficient to determine the role of this variant in disease. Therefore, it has been classified as a Variant of Uncertain Significance. An algorithm developed to predict the effect of missense changes on protein structure and function (PolyPhen-2) suggests that this variant is likely to be tolerated. This variant has not been reported in the literature in individuals affected with CTR9-related conditions. This variant is not present in population databases (gnomAD no frequency). This sequence change replaces asparagine, which is neutral and polar, with aspartic acid, which is acidic and polar, at codon 268 of the CTR9 protein (p.Asn268Asp).